The following is an entry in ClinVar:

NM_001999.4(FBN2):c.5426T>C (p.Ile1809Thr)

Gene: FBN2 (fibrillin 2; minus strand). Cytogenetic location: 5q23.3.
Variant type: single nucleotide variant.
Coding change: c.5426T>C on transcript NM_001999.4 (MANE Select); coding-DNA position 5426, T replaced by C.
Protein change: p.Ile1809Thr; replaces isoleucine 1809 with threonine.
Molecular consequence: missense variant.
Genome position (GRCh38, 1-based): chr5:128,305,945, A>G on the plus strand (T>C on the coding strand, the complement: FBN2 is on the minus strand). VCF-style: chr5-128305945-A-G. GRCh37 (hg19) VCF-style: chr5-127641637-A-G.
Other names: short protein forms I1809T.
Identifiers: ClinVar variation 213339 (VCV000213339.38), dbSNP rs766034866, ClinGen allele CA322280.

ClinVar aggregate classification (germline): Uncertain significance. Review status: criteria provided, multiple submitters, no conflicts (2 of 4 stars). 4 submissions from 4 submitters: Uncertain significance (4). Last evaluated 2024-09-17.

Conditions:
Congenital contractural arachnodactyly (CCA). Also called: BEALS SYNDROME; Beals-Hecht syndrome; Arthrogryposis, distal, type 9. Identifiers: Orphanet 115, MedGen C0220668, MONDO:0007363, OMIM 121050.

Allele frequency attached by ClinVar (database versions not stated): gnomAD exomes below 0.00001; TOPMed below 0.00001; ExAC 0.00001; gnomAD 0.00001.
gnomAD v4.1: 5 of 1,613,482 alleles (0.00031%); highest among the groups gnomAD compares: Admixed American, 0.0017%; no homozygotes.

Submissions (4):

Blueprint Genetics
Classification: Uncertain significance. Last evaluated: 2024-09-17. Review status: criteria provided, single submitter. Criteria: ACMG Guidelines, 2015. Collection method: clinical testing. Allele origin: germline.

Labcorp Genetics (formerly Invitae), Labcorp
Classification: Uncertain significance for Congenital contractural arachnodactyly. Last evaluated: 2023-02-17. Review status: criteria provided, single submitter. Criteria: Invitae Variant Classification Sherloc (09022015). Collection method: clinical testing. Allele origin: germline.
Comment: This sequence change replaces isoleucine, which is neutral and non-polar, with threonine, which is neutral and polar, at codon 1809 of the FBN2 protein (p.Ile1809Thr). This variant is not present in population databases (gnomAD no frequency). This variant has not been reported in the literature in individuals affected with FBN2-related conditions. ClinVar contains an entry for this variant (Variation ID: 213339). Advanced modeling of protein sequence and biophysical properties (such as structural, functional, and spatial information, amino acid conservation, physicochemical variation, residue mobility, and thermodynamic stability) performed at Invitae indicates that this missense variant is expected to disrupt FBN2 protein function. In summary, the available evidence is currently insufficient to determine the role of this variant in disease. Therefore, it has been classified as a Variant of Uncertain Significance.

CeGaT Center for Human Genetics Tuebingen
Classification: Uncertain significance. Last evaluated: 2022-02-01. Review status: criteria provided, single submitter. Criteria: CeGaT Center For Human Genetics Tuebingen Variant Classification Criteria Version 2. Collection method: clinical testing. Allele origin: germline. Affected: yes. Observed: 1 variant allele.

GeneDx
Classification: Uncertain significance. Last evaluated: 2017-09-26. Review status: criteria provided, single submitter. Criteria: GeneDx Variant Classification (06012015). Collection method: clinical testing. Allele origin: germline. Affected: yes.
Comment: p.Ile1809Thr (I1809T) ATT>ACT: c.5426 T>C in exon 43 of the FBN2 gene (NM_001999.3) The I1809T variant has not been published as a mutation or reported as a benign polymorphism to our knowledge. The I1809T variant was not observed in approximately 6,500 individuals of European and African American ancestry in the NHLBI Exome Sequencing Project, indicating it is not a common benign variant in these populations. This substitution occurs at a position that is conserved across species. Furthermore, the I1809T variant is a non-conservative amino acid substitution, which is likely to impact secondary protein structure as these residues differ in polarity, charge, size and/or other properties. Additionally, in silico analysis predicts this variant is probably damaging to the protein structure/function. However, no missense mutations in nearby residues have been reported, indicating this region of the protein maybe tolerant of change. This variant was found in TAAD,FBN2